The following is an entry in ClinVar:

ClinVar aggregate classification (germline): Uncertain significance (1 of 4 stars; one submission).

Conditions:
Gorlin syndrome. Also called: Basal cell nevus syndrome; Nevoid Basal Cell Carcinoma Syndrome. Identifiers: Orphanet 377, MedGen C0004779, MONDO:0007187.

Submission:

Labcorp Genetics (formerly Invitae), Labcorp
Classification: Uncertain significance for Gorlin syndrome. Last evaluated: 2024-07-22. Review status: criteria provided, single submitter. Criteria: Invitae Variant Classification Sherloc (09022015). Collection method: clinical testing. Allele origin: germline.
Comment: This sequence change replaces alanine, which is neutral and non-polar, with glutamic acid, which is acidic and polar, at codon 1247 of the PTCH1 protein (p.Ala1247Glu). This variant is not present in population databases (gnomAD no frequency). This variant has not been reported in the literature in individuals affected with PTCH1-related conditions. Advanced modeling of protein sequence and biophysical properties (such as structural, functional, and spatial information, amino acid conservation, physicochemical variation, residue mobility, and thermodynamic stability) performed at Invitae indicates that this missense variant is not expected to disrupt PTCH1 protein function with a negative predictive value of 95%. In summary, the available evidence is currently insufficient to determine the role of this variant in disease. Therefore, it has been classified as a Variant of Uncertain Significance.

NM_000264.5(PTCH1):c.3740C>A (p.Ala1247Glu)

Gene: PTCH1 (patched 1; minus strand). Cytogenetic location: 9q22.32.
Variant type: single nucleotide variant.
Coding change: c.3740C>A on transcript NM_000264.5 (MANE Select); coding-DNA position 3740, C replaced by A.
Protein change: p.Ala1247Glu; replaces alanine 1247 with glutamic acid.
Molecular consequence: missense variant. On other transcripts: non-coding transcript variant (1).
Genome position (GRCh38, 1-based): chr9:95,449,133, G>T on the plus strand (C>A on the coding strand, the complement: PTCH1 is on the minus strand). VCF-style: chr9-95449133-G-T. GRCh37 (hg19) VCF-style: chr9-98211415-G-T.
Other names: c.3287C>A, p.Ala1096Glu (NM_001083606.3, NM_001083607.3, NM_001083604.3 and 1 more transcripts); c.3584C>A, p.Ala1195Glu (NM_001354918.2); c.3542C>A, p.Ala1181Glu (NM_001083602.3); c.3737C>A, p.Ala1246Glu (NM_001083603.3); short protein forms A1195E, A1247E, A1096E, A1181E, A1246E.
Identifiers: ClinVar variation 3666884 (VCV003666884.2).